The following is an entry in ClinVar:

NM_130384.3(ATRIP):c.1894CTG[2] (p.Leu634_Leu635del)

Genes: ATRIP (ATR interacting protein; plus strand), ATRIP-TREX1 (ATRIP-TREX1 readthrough; plus strand). Cytogenetic location: 3p21.31.
Variant type: Microsatellite.
Coding change: c.1894CTG[2] on transcript NM_130384.3 (MANE Select); two copies in a row of the 3-base unit CTG starting at c.1894; the reference has four copies in a row; two copies, 6 bases deleted.
Protein change: p.Leu634_Leu635del.
Molecular consequence: inframe deletion. On other transcripts: non-coding transcript variant (1).
Genome position (GRCh38, 1-based): chr3:48,464,058-48,464,063, CTGCTG deleted; deleting any 6 consecutive bases within chr3:48,464,052-48,464,063 gives the same sequence; the position shown is the placement nearest the transcript's 3' end. VCF-style (leftmost placement, unchanged base first): chr3-48464051-CCTGCTG-C. GRCh37 (hg19) VCF-style: chr3-48505450-CCTGCTG-C.
Other names: c.1513CTG[2], p.Leu507_Leu508del (NM_001271022.2); c.1615CTG[2], p.Leu541_Leu542del (NM_001271023.2); c.1894CTG[2], p.Leu634_Leu635del (NM_032166.4); c.1900_1905delCTGCTG (NM_130384.1).
Identifiers: ClinVar variation 1483689 (VCV001483689.6), dbSNP rs779218640, ClinGen allele CA2376320.

ClinVar aggregate classification (germline): Uncertain significance. Review status: criteria provided, multiple submitters, no conflicts (2 of 4 stars). 2 submissions from 2 submitters: Uncertain significance (2). Last evaluated 2025-03-27.

Submissions (2):

Ambry Genetics
Classification: Uncertain significance. Last evaluated: 2025-03-27. Review status: criteria provided, single submitter. Criteria: Ambry Variant Classification Scheme 2023. Collection method: clinical testing. Allele origin: germline.
Comment: The c.1900_1905delCTGCTG variant (also known as p.L634_L635del) is located in coding exon 10 of the ATRIP gene. This variant results from an in-frame CTGCTG deletion at nucleotide positions 1900 to 1905. This results in the in-frame deletion of two leucine residues at codons 634-635. The evidence for this gene-disease relationship is limited; therefore, the clinical significance of this alteration is unclear.

Labcorp Genetics (formerly Invitae), Labcorp
Classification: Uncertain significance. Last evaluated: 2024-10-10. Review status: criteria provided, single submitter. Criteria: Invitae Variant Classification Sherloc (09022015). Collection method: clinical testing. Allele origin: germline.
Comment: This variant, c.1900_1905del, results in the deletion of 2 amino acid(s) of the ATRIP protein (p.Leu634_Leu635del), but otherwise preserves the integrity of the reading frame. This variant is present in population databases (rs779218640, gnomAD no frequency). This variant has not been reported in the literature in individuals affected with ATRIP-related conditions. In summary, the available evidence is currently insufficient to determine the role of this variant in disease. Therefore, it has been classified as a Variant of Uncertain Significance.